The following is an entry in ClinVar:

ClinVar aggregate classification (germline): Uncertain significance (1 of 4 stars; one submission).

Conditions:
Immunodeficiency 132A. Also called: Herpes simplex encephalitis, susceptibility to, 3. Identifiers: Orphanet 1930, MedGen C3553868, MONDO:0013920, OMIM 614849.

Submission:

Labcorp Genetics (formerly Invitae), Labcorp
Classification: Uncertain significance for Immunodeficiency 132A. Last evaluated: 2021-08-26. Review status: criteria provided, single submitter. Criteria: Invitae Variant Classification Sherloc (09022015). Collection method: clinical testing. Allele origin: germline.
Comment: This variant has not been reported in the literature in individuals affected with TRAF3-related conditions. Algorithms developed to predict the effect of missense changes on protein structure and function are either unavailable or do not agree on the potential impact of this missense change (SIFT: "Deleterious"; PolyPhen-2: "Benign"; Align-GVGD: "Class C0"). In summary, the available evidence is currently insufficient to determine the role of this variant in disease. Therefore, it has been classified as a Variant of Uncertain Significance. This variant is not present in population databases (ExAC no frequency). This sequence change replaces methionine with valine at codon 308 of the TRAF3 protein (p.Met308Val). The methionine residue is highly conserved and there is a small physicochemical difference between methionine and valine.

NM_145725.3(TRAF3):c.922A>G (p.Met308Val)

Gene: TRAF3 (TNF receptor associated factor 3; plus strand). Cytogenetic location: 14q32.32.
Variant type: single nucleotide variant.
Coding change: c.922A>G on transcript NM_145725.3 (MANE Select); coding-DNA position 922, A replaced by G.
Protein change: p.Met308Val; replaces methionine 308 with valine.
Molecular consequence: missense variant. On other transcripts: intron variant (1).
Genome position (GRCh38, 1-based): chr14:102,897,363, A>G. VCF-style: chr14-102897363-A-G. GRCh37 (hg19) VCF-style: chr14-103363700-A-G.
Other names: c.673A>G, p.Met225Val (NM_001199427.2); c.841A>G, p.Met281Val (NM_001385143.1); c.922A>G, p.Met308Val (NM_003300.4); c.847A>G, p.Met283Val (NM_145726.3); c.820-5892A>G (NM_001385142.1); short protein forms M283V, M308V, M281V, M225V.
Identifiers: ClinVar variation 1377621 (VCV001377621.6), dbSNP rs2139974726, ClinGen allele CA391073915.
Genomic context (GRCh38, chr14:102,897,363, plus strand): 5'-ATACAAAGTTTGCACAATCAGATATGTAGCTTTGAAATTGAAATTGAGAGACAAAAGGAA[A>G]TGCTTCGAAATAATGAATCCAAAATCCTTCATTTACAGGTAAGAATCTTAGGACTACGGC-3'
Protein context (NP_663777.1, residues 298-318): FEIEIERQKE[Met308Val]LRNNESKILH